The following is an entry in ClinVar:

ClinVar aggregate classification (germline): Uncertain significance (1 of 4 stars; one submission).

Conditions:
Familial focal epilepsy with variable foci (FPEVF). Identifiers: Orphanet 98820, MedGen C1858477, MONDO:0020310.

Allele frequency attached by ClinVar (database versions not stated): gnomAD exomes below 0.00001.

Submission:

Labcorp Genetics (formerly Invitae), Labcorp
Classification: Uncertain significance for Familial focal epilepsy with variable foci. Last evaluated: 2023-12-31. Review status: criteria provided, single submitter. Criteria: Invitae Variant Classification Sherloc (09022015). Collection method: clinical testing. Allele origin: germline.
Comment: This sequence change replaces methionine, which is neutral and non-polar, with isoleucine, which is neutral and non-polar, at codon 1012 of the DEPDC5 protein (p.Met1012Ile). This variant is present in population databases (no rsID available, gnomAD 0.003%). This variant has not been reported in the literature in individuals affected with DEPDC5-related conditions. ClinVar contains an entry for this variant (Variation ID: 2415061). Experimental studies and prediction algorithms are not available or were not evaluated, and the functional significance of this variant is currently unknown. In summary, the available evidence is currently insufficient to determine the role of this variant in disease. Therefore, it has been classified as a Variant of Uncertain Significance.

NM_001242896.3(DEPDC5):c.3036G>A (p.Met1012Ile)

Gene: DEPDC5 (DEP domain containing 5, GATOR1 subcomplex subunit; plus strand). Cytogenetic location: 22q12.3.
Variant type: single nucleotide variant.
Coding change: c.3036G>A on transcript NM_001242896.3 (MANE Select); coding-DNA position 3036, G replaced by A.
Protein change: p.Met1012Ile; replaces methionine 1012 with isoleucine.
Molecular consequence: missense variant. On other transcripts: non-coding transcript variant (5).
Genome position (GRCh38, 1-based): chr22:31,846,848, G>A. VCF-style: chr22-31846848-G-A. GRCh37 (hg19) VCF-style: chr22-32242834-G-A.
Other names: c.3009G>A, p.Met1003Ile (NM_001136029.4, NM_001369903.1, NM_014662.6); c.2802G>A, p.Met934Ile (NM_001242897.2, NM_001363854.2, NM_001364319.2); c.3036G>A, p.Met1012Ile (NM_001363852.2, NM_001364318.2, NM_001364320.2); c.2952G>A, p.Met984Ile (NM_001369901.1, NM_001369902.1); short protein forms M1003I, M1012I, M934I, M984I.
Identifiers: ClinVar variation 2415061 (VCV002415061.6), dbSNP rs1200303261, ClinGen allele CA411291935.